The following is an entry in ClinVar:

NM_005477.3(HCN4):c.530C>T (p.Ala177Val)

Gene: HCN4 (hyperpolarization activated cyclic nucleotide gated potassium channel 4; minus strand). Cytogenetic location: 15q24.1.
Variant type: single nucleotide variant.
Coding change: c.530C>T on transcript NM_005477.3 (MANE Select); coding-DNA position 530, C replaced by T.
Protein change: p.Ala177Val; replaces alanine 177 with valine.
Molecular consequence: missense variant.
Genome position (GRCh38, 1-based): chr15:73,367,741, G>A on the plus strand (C>T on the coding strand, the complement: HCN4 is on the minus strand). VCF-style: chr15-73367741-G-A. GRCh37 (hg19) VCF-style: chr15-73660082-G-A.
Other names: short protein forms A177V.
Identifiers: ClinVar variation 1415235 (VCV001415235.8), dbSNP rs755045896, ClinGen allele CA7649468.

ClinVar aggregate classification (germline): Uncertain significance (1 of 4 stars; one submission).

Conditions:
Brugada syndrome 8 (BRGDA8). Identifiers: Orphanet 130, MedGen C2751083, MONDO:0013148, OMIM 613123.

Allele frequency attached by ClinVar (database versions not stated): gnomAD 0.00001; gnomAD exomes 0.00001; ExAC 0.00002.
gnomAD v4.1: 1 of 1,579,000 alleles (0.000063%); highest among the groups gnomAD compares: Admixed American, 0.0017%; no homozygotes.

Submission:

Labcorp Genetics (formerly Invitae), Labcorp
Classification: Uncertain significance for Brugada syndrome 8. Last evaluated: 2025-12-21. Review status: criteria provided, single submitter. Criteria: Invitae Variant Classification Sherloc (09022015). Collection method: clinical testing. Allele origin: germline.
Comment: This sequence change replaces alanine, which is neutral and non-polar, with valine, which is neutral and non-polar, at codon 177 of the HCN4 protein (p.Ala177Val). This variant is present in population databases (rs755045896, gnomAD 0.003%). This variant has not been reported in the literature in individuals affected with HCN4-related conditions. ClinVar contains an entry for this variant (Variation ID: 1415235). Invitae Evidence Modeling of protein sequence and biophysical properties (such as structural, functional, and spatial information, amino acid conservation, physicochemical variation, residue mobility, and thermodynamic stability) indicates that this missense variant is not expected to disrupt HCN4 protein function with a negative predictive value of 95%. In summary, the available evidence is currently insufficient to determine the role of this variant in disease. Therefore, it has been classified as a Variant of Uncertain Significance.